The following is an entry in ClinVar:

ClinVar aggregate classification (germline): Uncertain significance (1 of 4 stars; one submission).

Conditions:
Hereditary sensory and autonomic neuropathy type 6. Also called: HSAN VI; Neuropathy, hereditary sensory and autonomic, type VI. Identifiers: Orphanet 314381, MedGen C3539003, MONDO:0013839, OMIM 614653.

gnomAD v4.1: 2 of 1,614,098 alleles (0.00012%); highest among the groups gnomAD compares: East Asian, 0.0022%; no homozygotes.

Submission:

Dasa
Classification: Uncertain significance for Hereditary sensory and autonomic neuropathy type 6. Last evaluated: 2025-08-22. Review status: criteria provided, single submitter. Criteria: DASA Assertion Criteria. Collection method: clinical testing. Allele origin: germline.
Comment: NM_001723.7(DST):c.4150G>C (p.Glu1384Gln) is a missense variant that results in the substitution of glutamic acid with glutamine. This variant is rare in population databases. Computational prediction algorithms are consistent with a benign effect. The currently available literature and clinical evidence are not sufficient to establish a definitive association between this variant and the reported condition. Therefore, this variant is classified as a variant of uncertain significance.

NM_001723.7(DST):c.4150G>C (p.Glu1384Gln)

Gene: DST (dystonin; minus strand). Cytogenetic location: 6p12.1.
Variant type: single nucleotide variant.
Coding change: c.4150G>C on transcript NM_001723.7 (MANE Plus Clinical); coding-DNA position 4150, G replaced by C.
Protein change: p.Glu1384Gln; replaces glutamic acid 1384 with glutamine.
Molecular consequence: missense variant. On other transcripts: intron variant (10).
Genome position (GRCh38, 1-based): chr6:56,619,884, C>G on the plus strand (G>C on the coding strand, the complement: DST is on the minus strand). VCF-style: chr6-56619884-C-G. GRCh37 (hg19) VCF-style: chr6-56484682-C-G.
Other names: c.4830+4646G>C (NM_001144769.5); c.4929+4646G>C (NM_001374722.1, NM_001374736.1); c.4956+4646G>C (NM_001374734.1); c.4416+4646G>C (NM_001144770.2); c.4296+4646G>C (NM_001374730.1, NM_001386100.1, NM_183380.4 and 1 more transcripts); c.3318+4646G>C (NM_015548.5); short protein forms E1384Q.
Identifiers: ClinVar variation 4881232 (VCV004881232.2).